The following is an entry in ClinVar:

ClinVar aggregate classification (germline): Pathogenic (1 of 4 stars; one submission).

Conditions:
Microcephaly-intellectual disability-sensorineural hearing loss-epilepsy-abnormal muscle tone syndrome (NEDHSB). Also called: NEURODEVELOPMENTAL DISORDER WITH HEARING LOSS, SEIZURES, AND BRAIN ABNORMALITIES. Identifiers: Orphanet 457351, MedGen C4225276, MONDO:0014698, OMIM 616577.

gnomAD v4.1: 30 of 1,612,914 alleles (0.0019%); highest among the groups gnomAD compares: Non-Finnish European, 0.0025%; no homozygotes.

Submission:

Labcorp Genetics (formerly Invitae), Labcorp
Classification: Pathogenic for Microcephaly-intellectual disability-sensorineural hearing loss-epilepsy-abnormal muscle tone syndrome. Last evaluated: 2024-12-10. Review status: criteria provided, single submitter. Criteria: Invitae Variant Classification Sherloc (09022015). Collection method: clinical testing. Allele origin: germline.
Comment: This sequence change creates a premature translational stop signal (p.Lys565*) in the SPATA5 gene. It is expected to result in an absent or disrupted protein product. Loss-of-function variants in SPATA5 are known to be pathogenic (PMID: 26299366). This variant is present in population databases (rs758889062, gnomAD 0.002%). This variant has not been reported in the literature in individuals affected with SPATA5-related conditions. Algorithms developed to predict the effect of sequence changes on RNA splicing suggest that this variant may create or strengthen a splice site. For these reasons, this variant has been classified as Pathogenic.

Literature cited by the submitters: PubMed 26299366.

NM_145207.3(AFG2A):c.1693A>T (p.Lys565Ter)

Gene: AFG2A (AAA ATPase AFG2A; plus strand). Cytogenetic location: 4q28.1.
Variant type: single nucleotide variant.
Coding change: c.1693A>T on transcript NM_145207.3 (MANE Select); coding-DNA position 1693, A replaced by T.
Protein change: p.Lys565Ter; replaces lysine 565 with a stop codon.
Molecular consequence: nonsense.
Genome position (GRCh38, 1-based): chr4:122,947,467, A>T. VCF-style: chr4-122947467-A-T. GRCh37 (hg19) VCF-style: chr4-123868622-A-T.
Other names: c.1690A>T, p.Lys564Ter (NM_001317799.2, NM_001345856.2); short protein forms K564*, K565*.
Identifiers: ClinVar variation 3750081 (VCV003750081.2).